The following is an entry in ClinVar:

NM_178452.6(DNAAF1):c.1678G>C (p.Gly560Arg)

Gene: DNAAF1 (dynein axonemal assembly factor 1; plus strand). Cytogenetic location: 16q24.1.
Variant type: single nucleotide variant.
Coding change: c.1678G>C on transcript NM_178452.6 (MANE Select); coding-DNA position 1678, G replaced by C.
Protein change: p.Gly560Arg; replaces glycine 560 with arginine.
Molecular consequence: missense variant.
Genome position (GRCh38, 1-based): chr16:84,174,702, G>C. VCF-style: chr16-84174702-G-C. GRCh37 (hg19) VCF-style: chr16-84208308-G-C.
Other names: c.970G>C, p.Gly324Arg (NM_001318756.1); short protein forms G324R, G560R.
Identifiers: ClinVar variation 2782728 (VCV002782728.3), dbSNP rs757333074, ClinGen allele CA396949994.
Genomic context (GRCh38, chr16:84,174,702, plus strand): 5'-TGATGTGCGGCTCACTTGCTCTTTCAGGACCTACCTGACTTGGAAGATGATGATGAAACA[G>C]GCAAATCTCTGGAAGACCAGGTTAAGGTCATTAGAAACCATTTTCCCACAGGCAGCTTAA-3'
Protein context (NP_848547.4, residues 550-570): LPDLEDDDET[Gly560Arg]KSLEDQNMCF

ClinVar aggregate classification (germline): Uncertain significance (1 of 4 stars; one submission).

Conditions:
Primary ciliary dyskinesia. Also called: Ciliary dyskinesia. Identifiers: Orphanet 244, MedGen C0008780, MONDO:0016575, HP:0012265.

Allele frequency attached by ClinVar (database versions not stated): gnomAD exomes below 0.00001; gnomAD 0.00001; TOPMed 0.00001.
gnomAD v4.1: 3 of 1,614,100 alleles (0.00019%); highest among the groups gnomAD compares: African/African-American, 0.0027%; no homozygotes.

Submission:

Labcorp Genetics (formerly Invitae), Labcorp
Classification: Uncertain significance for Primary ciliary dyskinesia. Last evaluated: 2023-08-19. Review status: criteria provided, single submitter. Criteria: Invitae Variant Classification Sherloc (09022015). Collection method: clinical testing. Allele origin: germline.
Comment: In summary, the available evidence is currently insufficient to determine the role of this variant in disease. Therefore, it has been classified as a Variant of Uncertain Significance. An algorithm developed to predict the effect of missense changes on protein structure and function (PolyPhen-2) suggests that this variant is likely to be disruptive. This variant has not been reported in the literature in individuals affected with DNAAF1-related conditions. This variant is present in population databases (no rsID available, gnomAD 0.007%). This sequence change replaces glycine, which is neutral and non-polar, with arginine, which is basic and polar, at codon 560 of the DNAAF1 protein (p.Gly560Arg).